The following is an entry in ClinVar:

ClinVar aggregate classification (germline): Likely pathogenic. Review status: criteria provided, multiple submitters, no conflicts (2 of 4 stars). 5 submissions from 5 submitters: Likely pathogenic (4). 1 of the submissions does not count toward it. Last evaluated 2025-05-21.

Conditions:
Arteriohepatic dysplasia. Also called: Alagille Syndrome. Identifiers: Orphanet 52, MedGen C0085280, MeSH D016738, MONDO:0007318.
Alagille syndrome due to a JAG1 point mutation. Also called: Alagille Syndrome 1; HEPATIC DUCTULAR HYPOPLASIA, SYNDROMATIC; JAG1-Related Alagille Syndrome. Identifiers: Orphanet 261619, Orphanet 52, MedGen C1956125, MONDO:0016862, OMIM 118450.
Deafness, congenital heart defects, and posterior embryotoxon (DCHE). Identifiers: MedGen C1866053, MONDO:0060713, OMIM 617992.
Tetralogy of Fallot (TOF). Identifiers: Orphanet 3303, MedGen C0039685, MONDO:0008542, OMIM 187500, HP:0001636.
Charcot-Marie-Tooth disease, axonal, Type 2HH. Also called: CHARCOT-MARIE-TOOTH NEUROPATHY, TYPE 2HH. Identifiers: MedGen C5562003, MONDO:0030458, OMIM 619574.

Allele frequency attached by ClinVar (database versions not stated): TOPMed below 0.00001; gnomAD 0.00001; gnomAD exomes below 0.00001.
gnomAD v4.1: 3 of 1,613,144 alleles (0.00019%); highest among the groups gnomAD compares: African/African-American, 0.0013%; no homozygotes.

Submissions (5):

Labcorp Genetics (formerly Invitae), Labcorp
Classification: Likely pathogenic for Alagille syndrome due to a JAG1 point mutation. Last evaluated: 2025-05-21. Review status: criteria provided, single submitter. Criteria: Invitae Variant Classification Sherloc (09022015). Collection method: clinical testing. Allele origin: germline.
Comment: This sequence change affects a donor splice site in intron 16 of the JAG1 gene. It is expected to disrupt RNA splicing. Variants that disrupt the donor or acceptor splice site typically lead to a loss of protein function (PMID: 16199547), and loss-of-function variants in JAG1 are known to be pathogenic (PMID: 11180599). This variant is not present in population databases (gnomAD no frequency). Disruption of this splice site has been observed in individual(s) with clinical features of JAG1-related conditions (PMID: 32190976). ClinVar contains an entry for this variant (Variation ID: 1329612). Algorithms developed to predict the effect of sequence changes on RNA splicing suggest that this variant may disrupt the consensus splice site. In summary, the currently available evidence indicates that the variant is pathogenic, but additional data are needed to prove that conclusively. Therefore, this variant has been classified as Likely Pathogenic.

Fulgent Genetics
Classification: Likely pathogenic for Alagille syndrome due to a JAG1 point mutation; Tetralogy of Fallot; Deafness, congenital heart defects, and posterior embryotoxon; Charcot-Marie-Tooth disease, axonal, Type 2HH. Last evaluated: 2024-06-10. Review status: criteria provided, single submitter. Criteria: ACMG Guidelines, 2015. Collection method: clinical testing. Allele origin: germline.

GeneDx
Classification: Likely pathogenic. Last evaluated: 2024-01-12. Review status: criteria provided, single submitter. Criteria: GeneDx Variant Classification Process June 2021. Collection method: clinical testing. Allele origin: germline. Affected: yes.
Comment: Canonical splice site variant predicted to result in an in-frame deletion of a critical region; Not observed in large population cohorts (gnomAD); Has not been previously published as pathogenic or benign to our knowledge

Division Of Personalized Genomic Medicine, Columbia University Irving Medical Center
Classification: Likely pathogenic for Alagille syndrome due to a JAG1 point mutation. Last evaluated: 2019-12-05. Review status: criteria provided, single submitter. Criteria: ACMG Guidelines, 2015. Collection method: clinical testing. Allele origin: paternal. Inheritance: Autosomal dominant inheritance. Observed: 1 heterozygote.
Comment: The c.2113+1G>A variant is a heterozygous canonical splice site variant that results in a single base pair substitution at nucleotide position 2113 in intron 16 of 25 of the JAG1 gene. The c.2113+1G>A variant is not observed in the Genome Aggregation Database (gnomAD), indicating it is not a common benign variant in the populations represented in this database. To the best of our knowledge, this variant has not been described to be associated with disease in literature. However, this variant is predicted to be deleterious by affecting gene splicing (Human Splicing Finder).

Gharavi Laboratory, Columbia University
Classification: Likely pathogenic for Alagille syndrome. Last evaluated: 2024-11-05. Review status: no assertion criteria provided. Criteria: ACMG Guidelines, 2015. Collection method: case-control. Allele origin: germline. Affected: yes. Not counted in ClinVar's aggregate classification.

Literature cited by the submitters: PubMed 16199547 (cited by Labcorp Genetics (formerly Invitae), Labcorp); PubMed 11180599 (cited by Labcorp Genetics (formerly Invitae), Labcorp); PubMed 32190976 (cited by Labcorp Genetics (formerly Invitae), Labcorp).

NM_000214.3(JAG1):c.2113+1G>A

Gene: JAG1 (jagged canonical Notch ligand 1; minus strand). Cytogenetic location: 20p12.2.
Variant type: single nucleotide variant.
Coding change: c.2113+1G>A on transcript NM_000214.3 (MANE Select); the canonical splice donor site of the intron after coding-DNA position 2113, G replaced by A.
Molecular consequence: splice donor variant.
Genome position (GRCh38, 1-based): chr20:10,645,355, C>T on the plus strand (G>A on the coding strand, the complement: JAG1 is on the minus strand). VCF-style: chr20-10645355-C-T. GRCh37 (hg19) VCF-style: chr20-10626003-C-T.
Identifiers: ClinVar variation 1329612 (VCV001329612.8), dbSNP rs1294950721, ClinGen allele CA408235374.